The following is an entry in ClinVar:

NM_015378.4(VPS13D):c.8357A>G (p.His2786Arg)

Gene: VPS13D (vacuolar protein sorting 13 homolog D; plus strand). Cytogenetic location: 1p36.22.
Variant type: single nucleotide variant.
Coding change: c.8357A>G on transcript NM_015378.4 (MANE Select); coding-DNA position 8357, A replaced by G.
Protein change: p.His2786Arg; replaces histidine 2786 with arginine.
Molecular consequence: missense variant.
Genome position (GRCh38, 1-based): chr1:12,333,295, A>G. VCF-style: chr1-12333295-A-G. GRCh37 (hg19) VCF-style: chr1-12393352-A-G.
Other names: c.8357A>G, p.His2786Arg (NM_018156.4); short protein forms H2786R.
Identifiers: ClinVar variation 2048354 (VCV002048354.4), dbSNP rs373148338, ClinGen allele CA18040018.
Genomic context (GRCh38, chr1:12,333,295, plus strand): 5'-CATTTATTGAGCCTTGGCCATGCTCTGTATCCTGGCAACAGCAGGCAGCTAGTCGTCTCC[A>G]TCCTCCTCGACTGAAGCTAGAAGCCAAGGCCAAACCTCGTTTGGATATCAATATCACTTC-3'
Protein context (NP_056193.2, residues 2776-2796): SWQQQAASRL[His2786Arg]PPRLKLEAKA

ClinVar aggregate classification (germline): Uncertain significance (1 of 4 stars; one submission).

Allele frequency attached by ClinVar (database versions not stated): ESP Exome Variant Server 0.00008; gnomAD exomes below 0.00001.
gnomAD v4.1: 1 of 1,614,160 alleles (0.000062%); highest among the groups gnomAD compares: Non-Finnish European, 0.000085%; no homozygotes.

Submission:

Labcorp Genetics (formerly Invitae), Labcorp
Classification: Uncertain significance. Last evaluated: 2022-04-04. Review status: criteria provided, single submitter. Criteria: Invitae Variant Classification Sherloc (09022015). Collection method: clinical testing. Allele origin: germline.
Comment: This variant is not present in population databases (gnomAD no frequency). In summary, the available evidence is currently insufficient to determine the role of this variant in disease. Therefore, it has been classified as a Variant of Uncertain Significance. Algorithms developed to predict the effect of missense changes on protein structure and function (SIFT, PolyPhen-2, Align-GVGD) all suggest that this variant is likely to be tolerated. This variant has not been reported in the literature in individuals affected with VPS13D-related conditions. This sequence change replaces histidine, which is basic and polar, with arginine, which is basic and polar, at codon 2786 of the VPS13D protein (p.His2786Arg).